The following is an entry in ClinVar:

NM_053025.4(MYLK):c.4602C>T (p.Ile1534=)

Gene: MYLK (myosin light chain kinase; minus strand). Cytogenetic location: 3q21.1.
Variant type: single nucleotide variant.
Coding change: c.4602C>T on transcript NM_053025.4 (MANE Select); coding-DNA position 4602, C replaced by T.
Protein change: p.Ile1534=; no amino-acid change (isoleucine 1534 retained).
Molecular consequence: synonymous variant.
Genome position (GRCh38, 1-based): chr3:123,647,241, G>A on the plus strand (C>T on the coding strand, the complement: MYLK is on the minus strand). VCF-style: chr3-123647241-G-A. GRCh37 (hg19) VCF-style: chr3-123366088-G-A.
Other names: c.4074C>T, p.Ile1358= (NM_001321309.2); c.4395C>T, p.Ile1465= (NM_053026.4, NM_053028.4); c.4602C>T, p.Ile1534= (NM_053027.4).
Identifiers: ClinVar variation 519976 (VCV000519976.22), dbSNP rs578009736, ClinGen allele CA071844.
Genomic context (GRCh38, chr3:123,647,241, plus strand): 5'-GGGCTCCCTGTGGTGCCCACGCTGCTGGCAGTGGGCCACTCACATCTCCAGGACCATGAC[G>A]ATGTTGGCCTTTTCTTCAAAGGCATCCACACACTGGACCAGCTTAGGGTGGTGGAGGCAG-3'
Protein context (NP_444253.3, residues 1524-1544): CVDAFEEKAN[Ile1534=]VMVLEIVSGG

ClinVar aggregate classification (germline): Likely benign. Review status: criteria provided, multiple submitters, no conflicts (2 of 4 stars). 7 submissions from 7 submitters: Likely benign (7). Last evaluated 2025-10-04.

Conditions:
MYLK-related disorder. Also called: MYLK-related condition.
Aortic aneurysm, familial thoracic 7 (AAT7). Also called: AORTIC DISSECTION, FAMILIAL, WITH OR WITHOUT AORTIC ANEURYSM. Identifiers: MedGen C3151077, MONDO:0013418, OMIM 613780.
Megacystis-microcolon-intestinal hypoperistalsis syndrome 1. Identifiers: MedGen C5542316, MONDO:0100354, OMIM 249210.
Familial thoracic aortic aneurysm and aortic dissection (TAAD). Also called: Thoracic aortic aneurysms and dissections. Identifiers: Orphanet 91387, MedGen C4707243, MONDO:0019625.

Allele frequency attached by ClinVar (database versions not stated): gnomAD below 0.00001 and 0.00003; TOPMed 0.00001; gnomAD exomes 0.00003 and 0.00004; ExAC 0.00007; 1000 Genomes Project 30x 0.00031; 1000 Genomes Project 0.00040.
gnomAD v4.1: 51 of 1,614,186 alleles (0.0032%); highest among the groups gnomAD compares: South Asian, 0.046%; no homozygotes.

Submissions (7):

Labcorp Genetics (formerly Invitae), Labcorp
Classification: Likely benign for Aortic aneurysm, familial thoracic 7. Last evaluated: 2025-10-04. Review status: criteria provided, single submitter. Criteria: Invitae Variant Classification Sherloc (09022015). Collection method: clinical testing. Allele origin: germline.

PreventionGenetics, part of Exact Sciences
Classification: Likely benign for MYLK-related condition. Last evaluated: 2025-09-26. Review status: criteria provided, single submitter. Criteria: ACMG Guidelines, 2015. Collection method: clinical testing. Allele origin: germline.
Comment: This variant is classified as likely benign based on ACMG/AMP sequence variant interpretation guidelines (Richards et al. 2015 PMID: 25741868, with internal and published modifications).

Blueprint Genetics
Classification: Likely benign. Last evaluated: 2022-07-07. Review status: criteria provided, single submitter. Criteria: ACMG Guidelines, 2015. Collection method: clinical testing. Allele origin: germline.

Fulgent Genetics
Classification: Likely benign for Megacystis-microcolon-intestinal hypoperistalsis syndrome 1; Aortic aneurysm, familial thoracic 7. Last evaluated: 2022-04-14. Review status: criteria provided, single submitter. Criteria: ACMG Guidelines, 2015. Collection method: clinical testing. Allele origin: unknown.

GeneDx
Classification: Likely benign. Last evaluated: 2018-10-24. Review status: criteria provided, single submitter. Criteria: GeneDx Variant Classification Process June 2021. Collection method: clinical testing. Allele origin: germline. Affected: yes.

CHEO Genetics Diagnostic Laboratory, Children's Hospital of Eastern Ontario
Classification: Likely benign for Familial thoracic aortic aneurysm and aortic dissection. Last evaluated: 2017-09-06. Review status: criteria provided, single submitter. Criteria: ACMG Guidelines, 2015. Collection method: clinical testing. Allele origin: germline. Study: Canadian Open Genetics Repository.

Ambry Genetics
Classification: Likely benign for Familial thoracic aortic aneurysm and aortic dissection. Last evaluated: 2016-04-04. Review status: criteria provided, single submitter. Criteria: Ambry Variant Classification Scheme 2023. Collection method: clinical testing. Allele origin: germline.